The following is an entry in ClinVar:

NM_001122819.3(KIF17):c.2232-6C>T

Gene: KIF17 (kinesin family member 17; minus strand). Cytogenetic location: 1p36.12.
Variant type: single nucleotide variant.
Coding change: c.2232-6C>T on transcript NM_001122819.3 (MANE Select); 6 bases into the intron before coding-DNA position 2232, C replaced by T.
Molecular consequence: intron variant.
Genome position (GRCh38, 1-based): chr1:20,682,890, G>A on the plus strand (C>T on the coding strand, the complement: KIF17 is on the minus strand). VCF-style: chr1-20682890-G-A. GRCh37 (hg19) VCF-style: chr1-21009383-G-A.
Other names: c.2232-6C>T (NM_020816.4); c.1932-6C>T (NM_001287212.2).
Identifiers: ClinVar variation 2638439 (VCV002638439.24), dbSNP rs547112275, ClinGen allele CA661709.

ClinVar aggregate classification (germline): Likely benign (1 of 4 stars; one submission).

Allele frequency attached by ClinVar (database versions not stated): TOPMed 0.00003; gnomAD 0.00005; gnomAD exomes 0.00005; ExAC 0.00006; 1000 Genomes Project 0.00060; 1000 Genomes Project 30x 0.00078.
gnomAD v4.1: 73 of 1,607,334 alleles (0.0045%); highest among the groups gnomAD compares: South Asian, 0.052%; 1 homozygote.

Submission:

CeGaT Center for Human Genetics Tuebingen
Classification: Likely benign. Last evaluated: 2022-11-01. Review status: criteria provided, single submitter. Criteria: CeGaT Center For Human Genetics Tuebingen Variant Classification Criteria Version 2. Collection method: clinical testing. Allele origin: germline. Affected: yes. Observed: 1 variant allele.
Comment: KIF17: BP4, BS2